The following is an entry in ClinVar:

NM_000135.4(FANCA):c.2233dup (p.Trp745fs)

Gene: FANCA (FA complementation group A; minus strand). Cytogenetic location: 16q24.3.
Variant type: Duplication.
Coding change: c.2233dup on transcript NM_000135.4 (MANE Select); coding-DNA position 2233, one base duplicated (T; older notation c.2233dupT).
Protein change: p.Trp745fs; shifts the reading frame from tryptophan 745.
Molecular consequence: frameshift variant.
Genome position (GRCh38, 1-based): chr16:89,770,249, A duplicated on the plus strand (T on the coding strand, the reverse complement: FANCA is on the minus strand). VCF-style (leftmost placement, unchanged base first): chr16-89770248-C-CA. GRCh37 (hg19) VCF-style: chr16-89836656-C-CA.
Other names: c.2233dup, p.Trp745fs (NM_001286167.3); c.2233dupT (NM_000135.3); short protein forms W745fs.
Identifiers: ClinVar variation 974333 (VCV000974333.10), dbSNP rs2039278551, ClinGen allele CA980445085.

ClinVar aggregate classification (germline): Pathogenic. Review status: criteria provided, multiple submitters, no conflicts (2 of 4 stars). 3 submissions from 3 submitters: Pathogenic (2). 1 of the submissions does not count toward it. Last evaluated 2024-11-14.

Conditions:
Fanconi anemia (FA). Also called: Fanconi's anemia. Identifiers: Orphanet 84, MedGen C0015625, MeSH D005199, MONDO:0019391.
Fanconi anemia complementation group A (FANCA). Also called: Fanconi anemia, group A; FANCA-Related Fanconi Anemia. Identifiers: Orphanet 84, MedGen C3469521, MONDO:0009215, OMIM 227650.

Allele frequency attached by ClinVar (database versions not stated): gnomAD 0.00001; TOPMed 0.00001.

Submissions (3):

Natera, Inc.
Classification: Pathogenic for Fanconi anemia. Last evaluated: 2024-11-14. Review status: criteria provided, single submitter. Criteria: Natera Variant Classification Schema (03/2026). Collection method: clinical testing. Allele origin: germline.
Comment: The c.2233dupT variant in FANCA is a frameshift variant predicted to shift the reading frame beginning at codon 745 and leads to a stop codon 49 codons downstream. This variant is expected to result in nonsense mediated decay, truncation, or a dysfunctional protein product. This variant is rare in the general population with a frequency below the threshold expected for the associated phenotype(s). This variant has been observed in one or more individuals affected with the associated recessive disease, as either homozygous or compound heterozygous with a second variant (PMID: 29098742, 36513378). Given the available evidence, this variant is classified as Pathogenic.

Labcorp Genetics (formerly Invitae), Labcorp
Classification: Pathogenic for Fanconi anemia. Last evaluated: 2024-03-11. Review status: criteria provided, single submitter. Criteria: Invitae Variant Classification Sherloc (09022015). Collection method: clinical testing. Allele origin: germline.
Comment: This sequence change creates a premature translational stop signal (p.Trp745Leufs*49) in the FANCA gene. It is expected to result in an absent or disrupted protein product. Loss-of-function variants in FANCA are known to be pathogenic (PMID: 19367192). This variant is not present in population databases (gnomAD no frequency). This premature translational stop signal has been observed in individual(s) with Fanconi anemia (PMID: 29098742). ClinVar contains an entry for this variant (Variation ID: 974333). For these reasons, this variant has been classified as Pathogenic.

Leiden Open Variation Database
Classification: Uncertain significance for Fanconi anemia complementation group A. Last evaluated: 2020-02-28. Review status: no assertion criteria provided. Collection method: curation. Allele origin: germline. Affected: yes. Not counted in ClinVar's aggregate classification.
Comment: Curator: Arleen D. Auerbach. Submitter to LOVD: Arleen D. Auerbach.

Literature cited by the submitters: PubMed 29098742 (cited by Natera, Inc. and Labcorp Genetics (formerly Invitae), Labcorp); PubMed 36513378 (cited by Natera, Inc.); PubMed 19367192 (cited by Labcorp Genetics (formerly Invitae), Labcorp).